The following is an entry in ClinVar:

ClinVar aggregate classification (germline): Pathogenic (1 of 4 stars; one submission).

Conditions:
Hereditary nonpolyposis colorectal neoplasms. Identifiers: MedGen C0009405, MeSH D003123.

Submission:

Labcorp Genetics (formerly Invitae), Labcorp
Classification: Pathogenic for Hereditary nonpolyposis colorectal neoplasms. Last evaluated: 2022-08-16. Review status: criteria provided, single submitter. Criteria: Invitae Variant Classification Sherloc (09022015). Collection method: clinical testing. Allele origin: germline.
Comment: ClinVar contains an entry for this variant (Variation ID: 1451186). For these reasons, this variant has been classified as Pathogenic. Algorithms developed to predict the effect of sequence changes on RNA splicing suggest that this variant may create or strengthen a splice site. This variant has not been reported in the literature in individuals affected with MSH6-related conditions. Information on the frequency of this variant in the gnomAD database is not available, as this variant may be reported differently in the database. This sequence change creates a premature translational stop signal (p.Thr1175Alafs*5) in the MSH6 gene. It is expected to result in an absent or disrupted protein product. Loss-of-function variants in MSH6 are known to be pathogenic (PMID: 18269114, 24362816).

Literature cited by the submitters: PubMed 18269114; PubMed 24362816.

NM_000179.3(MSH6):c.3523_3524delinsGCCTCAGACAATTGA (p.Thr1175delinsAlaSerAspAsnTer)

Gene: MSH6 (mutS homolog 6; plus strand). Cytogenetic location: 2p16.3.
Variant type: Indel.
Coding change: c.3523_3524delinsGCCTCAGACAATTGA on transcript NM_000179.3 (MANE Select); coding-DNA positions 3523 to 3524, AC replaced by GCCTCAGACAATTGA.
Protein change: p.Thr1175delinsAlaSerAspAsnTer.
Molecular consequence: nonsense. On other transcripts: non-coding transcript variant (4).
Genome position (GRCh38, 1-based): chr2:47,804,994-47,804,995, AC replaced by GCCTCAGACAATTGA. VCF-style: chr2-47804994-AC-GCCTCAGACAATTGA. GRCh37 (hg19) VCF-style: chr2-48032133-AC-GCCTCAGACAATTGA.
Other names: c.3133_3134delinsGCCTCAGACAATTGA, p.Thr1045delinsAlaSerAspAsnTer (NM_001281492.2); c.2617_2618delinsGCCTCAGACAATTGA, p.Thr873delinsAlaSerAspAsnTer (NM_001281493.2, NM_001281494.2, NM_001406811.1 and 6 more transcripts); c.3619_3620delinsGCCTCAGACAATTGA, p.Thr1207delinsAlaSerAspAsnTer (NM_001406795.1, NM_001406802.1); c.3523_3524delinsGCCTCAGACAATTGA, p.Thr1175delinsAlaSerAspAsnTer (NM_001406796.1, NM_001406800.1, NM_001406808.1 and 1 more transcripts); c.3226_3227delinsGCCTCAGACAATTGA, p.Thr1076delinsAlaSerAspAsnTer (NM_001406797.1, NM_001406801.1, NM_001406805.1 and 10 more transcripts); c.3349_3350delinsGCCTCAGACAATTGA, p.Thr1117delinsAlaSerAspAsnTer (NM_001406798.1); c.2998_2999delinsGCCTCAGACAATTGA, p.Thr1000delinsAlaSerAspAsnTer (NM_001406799.1, NM_001406806.1, NM_001406807.1); c.2659_2660delinsGCCTCAGACAATTGA, p.Thr887delinsAlaSerAspAsnTer (NM_001406803.1); and 7 more.
Identifiers: ClinVar variation 4775511 (VCV004775511.1).
Genomic context (GRCh38, chr2:47,804,994, plus strand): 5'-CAGATGGGTTGTTACGTCCCTGCTGAAGTGTGCAGGCTCACACCAATTGATAGAGTGTTT[AC>GCCTCAGACAATTGA]TAGACTTGGTGCCTCAGACAGAATAATGTCAGGTGAGTTTTTTGTTTCCCACTTAAGTTC-3'